The following is an entry in ClinVar:

NM_024996.7(GFM1):c.2232del (p.Gly747fs)

Gene: GFM1 (G elongation factor mitochondrial 1; plus strand). Cytogenetic location: 3q25.32.
Variant type: Deletion.
Coding change: c.2232del on transcript NM_024996.7 (MANE Select); coding-DNA position 2232, one base deleted (T; older notation c.2232delT).
Protein change: p.Gly747fs; shifts the reading frame from glycine 747.
Molecular consequence: frameshift variant. On other transcripts: non-coding transcript variant (4).
Genome position (GRCh38, 1-based): chr3:158,691,443, T deleted; the last of 2 consecutive T bases (chr3:158,691,442-158,691,443); deleting either gives the same sequence. VCF-style (leftmost placement, unchanged base first): chr3-158691441-GT-G. GRCh37 (hg19) VCF-style: chr3-158409230-GT-G.
Other names: c.2232delT (NM_024996.5); c.2289delT (NM_001308164.1); c.2289del, p.Gly766fs (NM_001308164.2); c.2151del, p.Gly720fs (NM_001374355.1); c.2115del, p.Gly708fs (NM_001374356.1); c.2007del, p.Gly672fs (NM_001374357.1); c.1773del, p.Gly594fs (NM_001374358.1); c.1665del, p.Gly558fs (NM_001374359.1); and 3 more; short protein forms G747fs, G766fs, G519fs, G540fs, G558fs, G594fs, G672fs, G708fs.
Identifiers: ClinVar variation 214498 (VCV000214498.7), dbSNP rs863224034, ClinGen allele CA323296.

ClinVar aggregate classification (germline): Uncertain significance. Review status: criteria provided, multiple submitters, no conflicts (2 of 4 stars). 4 submissions from 4 submitters: Uncertain significance (3). 1 of the submissions does not count toward it. Last evaluated 2026-10-21.

Conditions:
GFM1-related disorder. Also called: GFM1-related condition.
Hepatoencephalopathy due to combined oxidative phosphorylation defect type 1. Also called: HEPATOENCEPHALOPATHY, EARLY FATAL PROGRESSIVE. Identifiers: Orphanet 137681, MedGen C1836797, MONDO:0012191, OMIM 609060.

Submissions (4):

GeneDx
Classification: Uncertain significance. Last evaluated: 2026-10-21. Review status: criteria provided, single submitter. Criteria: GeneDx Variant Classification Process June 2021. Collection method: clinical testing. Allele origin: germline.
Comment: Has not been previously published as pathogenic or benign to our knowledge; Not observed at significant frequency in large population cohorts (gnomAD); Frameshift variant predicted to result in abnormal protein length as the last 5 amino acid(s) are replaced with 16 different amino acid(s)

PreventionGenetics, part of Exact Sciences
Classification: Uncertain significance for GFM1-related condition. Last evaluated: 2026-03-27. Review status: criteria provided, single submitter. Criteria: ACMG Guidelines, 2015. Collection method: clinical testing. Allele origin: germline.
Comment: The GFM1 c.2289delT variant is predicted to result in a frameshift and premature protein termination (p.Gly766Glufs*17). To our knowledge, this variant has not been reported in the literature. This variant is reported in 0.0053% of alleles in individuals of European (Non-Finnish) descent in gnomAD. To our knowledge, there are no documented causative variants downstream of the p.Val763Valfs*20 variant identified in this individual. Although we suspect that this variant may be pathogenic, at this time, the clinical significance of this variant is uncertain due to the absence of conclusive functional and genetic evidence.

Blueprint Genetics
Classification: Uncertain significance. Last evaluated: 2023-06-26. Review status: criteria provided, single submitter. Criteria: ACMG Guidelines, 2015. Collection method: clinical testing. Allele origin: germline.

Natera, Inc.
Classification: Uncertain significance for Combined oxidative phosphorylation deficiency 1. Last evaluated: 2019-11-11. Review status: no assertion criteria provided. Collection method: clinical testing. Allele origin: germline. Not counted in ClinVar's aggregate classification.